The following is an entry in ClinVar:

NM_001388492.1(HTT):c.5568G>A (p.Gln1856=)

Gene: HTT (huntingtin; plus strand). Cytogenetic location: 4p16.3.
Variant type: single nucleotide variant.
Coding change: c.5568G>A on transcript NM_001388492.1 (MANE Select); coding-DNA position 5568, G replaced by A.
Protein change: p.Gln1856=; no amino-acid change (glutamine 1856 retained).
Molecular consequence: synonymous variant.
Genome position (GRCh38, 1-based): chr4:3,199,931, G>A. VCF-style: chr4-3199931-G-A. GRCh37 (hg19) VCF-style: chr4-3201658-G-A.
Other names: c.5574G>A, p.Gln1858= (NM_002111.8).
Identifiers: ClinVar variation 3030859 (VCV003030859.1), dbSNP rs2476223146, ClinGen allele CA438126087.

ClinVar aggregate classification (germline): Likely benign (1 of 4 stars; one submission).

Conditions:
HTT-related disorder. Also called: HTT-related condition.

Allele frequency attached by ClinVar (database versions not stated): gnomAD exomes below 0.00001.
gnomAD v4.1: 1 of 1,613,024 alleles (0.000062%); no homozygotes.

Submission:

PreventionGenetics, part of Exact Sciences
Classification: Likely benign for HTT-related condition. Last evaluated: 2021-02-22. Review status: criteria provided, single submitter. Criteria: ACMG Guidelines, 2015. Collection method: clinical testing. Allele origin: germline.
Comment: This variant is classified as likely benign based on ACMG/AMP sequence variant interpretation guidelines (Richards et al. 2015 PMID: 25741868, with internal and published modifications).